The following is an entry in ClinVar:

ClinVar aggregate classification (germline): Pathogenic/Likely pathogenic. Review status: criteria provided, multiple submitters, no conflicts (2 of 4 stars). 2 submissions from 2 submitters: Pathogenic (1); Likely pathogenic (1). Last evaluated 2024-02-20.

Conditions:
X-linked Alport syndrome (ATS1). Also called: NEPHROPATHY AND DEAFNESS, X-LINKED; COL4A5-Related Nephropathy. Identifiers: Orphanet 63, Orphanet 88917, MedGen C4746986, MONDO:0010520, OMIM 301050.

Submissions (2):

Fulgent Genetics
Classification: Likely pathogenic for X-linked Alport syndrome. Last evaluated: 2024-02-20. Review status: criteria provided, single submitter. Criteria: ACMG Guidelines, 2015. Collection method: clinical testing. Allele origin: germline.

Labcorp Genetics (formerly Invitae), Labcorp
Classification: Pathogenic. Last evaluated: 2019-09-27. Review status: criteria provided, single submitter. Criteria: Invitae Variant Classification Sherloc (09022015). Collection method: clinical testing. Allele origin: germline.
Comment: For these reasons, this variant has been classified as Pathogenic. Donor and acceptor splice site variants typically lead to a loss of protein function (PMID: 16199547), and loss-of-function variants in COL4A5 are known to be pathogenic (PMID: 9195222, 10752524, 14514738, 24854265, 26809805). Algorithms developed to predict the effect of sequence changes on RNA splicing suggest that this variant may disrupt the consensus splice site, but this prediction has not been confirmed by published transcriptional studies. Disruption of this splice site has been observed in several individuals affected with Alport syndrome (PMID: 22921432, 29959198, 11462238). This variant is not present in population databases (ExAC no frequency). This sequence change affects an acceptor splice site in intron 6 of the COL4A5 gene. It is expected to disrupt RNA splicing and likely results in an absent or disrupted protein product.

Literature cited by the submitters: PubMed 16199547 (cited by Labcorp Genetics (formerly Invitae), Labcorp); PubMed 9195222 (cited by Labcorp Genetics (formerly Invitae), Labcorp); PubMed 10752524 (cited by Labcorp Genetics (formerly Invitae), Labcorp); PubMed 14514738 (cited by Labcorp Genetics (formerly Invitae), Labcorp); PubMed 24854265 (cited by Labcorp Genetics (formerly Invitae), Labcorp); PubMed 26809805 (cited by Labcorp Genetics (formerly Invitae), Labcorp); PubMed 22921432 (cited by Labcorp Genetics (formerly Invitae), Labcorp); PubMed 29959198 (cited by Labcorp Genetics (formerly Invitae), Labcorp); PubMed 11462238 (cited by Labcorp Genetics (formerly Invitae), Labcorp).

NM_033380.3(COL4A5):c.385-2A>T

Gene: COL4A5 (collagen type IV alpha 5 chain; plus strand). Cytogenetic location: Xq22.3.
Variant type: single nucleotide variant.
Coding change: c.385-2A>T on transcript NM_033380.3 (MANE Select); the canonical splice acceptor site of the intron before coding-DNA position 385, A replaced by T.
Molecular consequence: splice acceptor variant.
Genome position (GRCh38, 1-based): chrX:108,571,411, A>T. VCF-style: chrX-108571411-A-T. GRCh37 (hg19) VCF-style: chrX-107814641-A-T.
Other names: c.385-2A>T (NM_000495.5).
Identifiers: ClinVar variation 966248 (VCV000966248.11), dbSNP rs2066062676, ClinGen allele CA413919705.